The following is an entry in ClinVar:

NM_000543.5(SMPD1):c.827A>G (p.Tyr276Cys)

Gene: SMPD1 (sphingomyelin phosphodiesterase 1; plus strand). Cytogenetic location: 11p15.4.
Variant type: single nucleotide variant.
Coding change: c.827A>G on transcript NM_000543.5 (MANE Select); coding-DNA position 827, A replaced by G.
Protein change: p.Tyr276Cys; replaces tyrosine 276 with cysteine.
Molecular consequence: missense variant. On other transcripts: non-coding transcript variant (1), 5 prime UTR variant (1).
Genome position (GRCh38, 1-based): chr11:6,391,892, A>G. VCF-style: chr11-6391892-A-G. GRCh37 (hg19) VCF-style: chr11-6413122-A-G.
Other names: c.827A>G, p.Tyr276Cys (NM_001365135.2, NM_001318087.2); c.824A>G, p.Tyr275Cys (NM_001007593.3); c.-135A>G (NM_001318088.2); short protein forms Y275C, Y276C.
Identifiers: ClinVar variation 992690 (VCV000992690.2), dbSNP rs1847934777, ClinGen allele CA379371094.
Genomic context (GRCh38, chr11:6,391,892, plus strand): 5'-TGAGGACCCTGGAGAGCCTGTTGAGTGGGCTGGGCCCAGCCGGCCCTTTTGATATGGTGT[A>G]CTGGACAGGAGACATCCCCGCACATGATGTCTGGCACCAGACTCGTCAGGACCAACTGCG-3'
Protein context (NP_000534.3, residues 266-286): LGPAGPFDMV[Tyr276Cys]WTGDIPAHDV

ClinVar aggregate classification (germline): Conflicting classifications of pathogenicity. Review status: criteria provided, conflicting classifications (1 of 4 stars). 2 submissions from 2 submitters: Likely pathogenic (1); Uncertain significance (1). Last evaluated 2025-09-19.

Conditions:
Niemann-Pick disease, type A. Also called: Infantile Neurovisceral ASMD (Niemann-Pick Disease Type A; NPD-A); SPHINGOMYELIN LIPIDOSIS; SPHINGOMYELINASE DEFICIENCY. Identifiers: Orphanet 77292, MedGen C0268242, MONDO:0009756, OMIM 257200. Disease mechanism: loss of function.
Niemann-Pick disease, type B. Also called: Chronic Visceral ASMD (Niemann-Pick Disease Type B; NPD-B). Identifiers: Orphanet 77293, MedGen C0268243, MONDO:0011871, OMIM 607616. Disease mechanism: loss of function.

Submissions (2):

Women's Health and Genetics/Laboratory Corporation of America, LabCorp
Classification: Uncertain significance. Last evaluated: 2025-09-19. Review status: criteria provided, single submitter. Criteria: LabCorp Variant Classification Summary - May 2015. Collection method: clinical testing. Allele origin: germline.
Comment: Variant summary: SMPD1 c.827A>G (p.Tyr276Cys) results in a non-conservative amino acid change in the encoded protein sequence. Algorithms developed to predict the effect of missense changes on protein structure and function all suggest that this variant is likely to be disruptive. The variant was absent in 250926 control chromosomes. The available data on variant occurrences in the general population are insufficient to allow any conclusion about variant significance. c.827A>G has been observed in the simple heterozygous state in at least 1 individual(s) affected with Niemann-Pick Disease (example, Hu_2021) without strong evidence for causality. These report(s) do not provide unequivocal conclusions about association of the variant with Niemann-Pick Disease. To our knowledge, no experimental evidence demonstrating an impact on protein function has been reported. The following publications have been ascertained in the context of this evaluation (PMID: 33675270, 38782304). ClinVar contains an entry for this variant (Variation ID: 992690). Based on the evidence outlined above, the variant was classified as uncertain significance.

Huiwen Zhang's lab, Shanghai Jiao Tong University School of Medicine, Xinhua Hospital
Classification: Likely pathogenic for Niemann-Pick disease, type A; Niemann-Pick disease, type B. Last evaluated: 2020-12-30. Review status: criteria provided, single submitter. Criteria: ACMG Guidelines, 2015. Collection method: clinical testing. Allele origin: inherited. Affected: yes.

Literature cited by the submitters: PubMed 33675270 (cited by Women's Health and Genetics/Laboratory Corporation of America, LabCorp); PubMed 38782304 (cited by Women's Health and Genetics/Laboratory Corporation of America, LabCorp).